The following is an entry in ClinVar:

ClinVar aggregate classification (germline): Uncertain significance (1 of 4 stars; one submission).

Conditions:
Inborn genetic diseases. Identifiers: MedGen C0950123, MeSH D030342.

gnomAD v4.1: 4 of 1,613,566 alleles (0.00025%); highest among the groups gnomAD compares: African/African-American, 0.0013%; no homozygotes.

Submission:

Ambry Genetics
Classification: Uncertain significance for Inborn genetic diseases. Last evaluated: 2025-12-24. Review status: criteria provided, single submitter. Criteria: Ambry Variant Classification Scheme 2023. Collection method: clinical testing. Allele origin: germline.
Comment: The c.1111G>A (p.A371T) alteration is located in exon 10 (coding exon 9) of the SOX6 gene. This alteration results from a G to A substitution at nucleotide position 1111, causing the alanine (A) at amino acid position 371 to be replaced by a threonine (T). Based on data from gnomAD, the A allele has an overall frequency of <0.001% (1/250910) total alleles studied. The highest observed frequency was 0.003% (1/30614) of South Asian alleles. Based on insufficient or conflicting evidence, the clinical significance of this alteration remains unclear.

NM_001367873.1(SOX6):c.1111G>A (p.Ala371Thr)

Gene: SOX6 (SRY-box transcription factor 6; minus strand). Cytogenetic location: 11p15.2.
Variant type: single nucleotide variant.
Coding change: c.1111G>A on transcript NM_001367873.1 (MANE Select); coding-DNA position 1111, G replaced by A.
Protein change: p.Ala371Thr; replaces alanine 371 with threonine.
Molecular consequence: missense variant.
Genome position (GRCh38, 1-based): chr11:16,055,892, C>T on the plus strand (G>A on the coding strand, the complement: SOX6 is on the minus strand). VCF-style: chr11-16055892-C-T. GRCh37 (hg19) VCF-style: chr11-16077438-C-T.
Other names: c.988G>A, p.Ala330Thr (NM_001145811.2, NM_001367872.1, NM_017508.3); c.1111G>A, p.Ala371Thr (NM_001145819.2, NM_033326.3); short protein forms A330T, A371T.
Identifiers: ClinVar variation 4832625 (VCV004832625.1).